The following is an entry in ClinVar:

NM_017433.5(MYO3A):c.954-3del

Gene: MYO3A (myosin IIIA; plus strand). Cytogenetic location: 10p12.1.
Variant type: Deletion.
Coding change: c.954-3del on transcript NM_017433.5 (MANE Select); 3 bases into the intron before coding-DNA position 954, one base deleted (C; older notation c.954-3delC).
Molecular consequence: intron variant.
Genome position (GRCh38, 1-based): chr10:26,066,972, C deleted. VCF-style (leftmost placement, unchanged base first): chr10-26066971-AC-A. GRCh37 (hg19) VCF-style: chr10-26355900-AC-A.
Other names: c.954-3delC (NM_017433.4).
Identifiers: ClinVar variation 1210700 (VCV001210700.11), dbSNP rs759978541, ClinGen allele CA5444509.

ClinVar aggregate classification (germline): Conflicting classifications of pathogenicity. Review status: criteria provided, conflicting classifications (1 of 4 stars). 3 submissions from 3 submitters: Uncertain significance (2); Likely benign (1). Last evaluated 2026-04-02.

Conditions:
MYO3A-related disorder. Also called: MYO3A-related condition.

Allele frequency attached by ClinVar (database versions not stated): gnomAD exomes 0.00009 and 0.00021; ExAC 0.00017; gnomAD 0.00017; TOPMed 0.00017.

Submissions (3):

GeneDx
Classification: Uncertain significance. Last evaluated: 2026-04-02. Review status: criteria provided, single submitter. Criteria: GeneDx Variant Classification Process June 2021. Collection method: clinical testing. Allele origin: germline. Affected: yes.
Comment: In silico analysis supports a deleterious effect on splicing; Has not been previously published as pathogenic or benign to our knowledge

PreventionGenetics, part of Exact Sciences
Classification: Likely benign for MYO3A-related condition. Last evaluated: 2025-11-11. Review status: criteria provided, single submitter. Criteria: ACMG Guidelines, 2015. Collection method: clinical testing. Allele origin: germline.
Comment: This variant is classified as likely benign based on ACMG/AMP sequence variant interpretation guidelines (Richards et al. 2015 PMID: 25741868, with internal and published modifications).

Labcorp Genetics (formerly Invitae), Labcorp
Classification: Uncertain significance. Last evaluated: 2024-02-14. Review status: criteria provided, single submitter. Criteria: Invitae Variant Classification Sherloc (09022015). Collection method: clinical testing. Allele origin: germline.
Comment: This sequence change falls in intron 10 of the MYO3A gene. It does not directly change the encoded amino acid sequence of the MYO3A protein. It affects a nucleotide within the consensus splice site. This variant is present in population databases (rs759978541, gnomAD 0.2%). This variant has not been reported in the literature in individuals affected with MYO3A-related conditions. ClinVar contains an entry for this variant (Variation ID: 1210700). Variants that disrupt the consensus splice site are a relatively common cause of aberrant splicing (PMID: 17576681, 9536098). Algorithms developed to predict the effect of sequence changes on RNA splicing suggest that this variant may disrupt the consensus splice site. In summary, the available evidence is currently insufficient to determine the role of this variant in disease. Therefore, it has been classified as a Variant of Uncertain Significance.

Literature cited by the submitters: PubMed 17576681 (cited by Labcorp Genetics (formerly Invitae), Labcorp); PubMed 9536098 (cited by Labcorp Genetics (formerly Invitae), Labcorp).